The following is an entry in ClinVar:

NM_000426.4(LAMA2):c.8988+10A>G

Gene: LAMA2 (laminin subunit alpha 2; plus strand). Cytogenetic location: 6q22.33.
Variant type: single nucleotide variant.
Coding change: c.8988+10A>G on transcript NM_000426.4 (MANE Select); 10 bases into the intron after coding-DNA position 8988, A replaced by G.
Molecular consequence: intron variant.
Genome position (GRCh38, 1-based): chr6:129,512,503, A>G. VCF-style: chr6-129512503-A-G. GRCh37 (hg19) VCF-style: chr6-129833648-A-G.
Other names: p.?; c.8976+10A>G (NM_001079823.2).
Identifiers: ClinVar variation 706179 (VCV000706179.9), dbSNP rs768274050, ClinGen allele CA3994990.

ClinVar aggregate classification (germline): Likely benign. Review status: criteria provided, multiple submitters, no conflicts (2 of 4 stars). 2 submissions from 2 submitters: Likely benign (2). Last evaluated 2025-10-22.

Conditions:
LAMA2-related muscular dystrophy (LAMA2-RD). Also called: Laminin alpha 2-related dystrophy. Identifiers: MedGen C5679788, MONDO:0100228.

Allele frequency attached by ClinVar (database versions not stated): TOPMed below 0.00001; gnomAD exomes 0.00001; ExAC 0.00002.
gnomAD v4.1: 7 of 1,613,314 alleles (0.00043%); highest among the groups gnomAD compares: Non-Finnish European, 0.00059%; no homozygotes.

Submissions (2):

Mayo Clinic Laboratories, Mayo Clinic
Classification: Likely benign. Last evaluated: 2025-10-22. Review status: criteria provided, single submitter. Criteria: ACMG Guidelines, 2015. Collection method: clinical testing. Allele origin: germline. Observed: 1 variant allele.
Comment: BP4, BP7

Labcorp Genetics (formerly Invitae), Labcorp
Classification: Likely benign for LAMA2-related muscular dystrophy. Last evaluated: 2023-04-11. Review status: criteria provided, single submitter. Criteria: Invitae Variant Classification Sherloc (09022015). Collection method: clinical testing. Allele origin: germline.